The following is an entry in ClinVar:

ClinVar aggregate classification (germline): Uncertain significance (1 of 4 stars; one submission).

Submission:

Ambry Genetics
Classification: Uncertain significance. Last evaluated: 2025-07-28. Review status: criteria provided, single submitter. Criteria: Ambry Variant Classification Scheme 2023. Collection method: clinical testing. Allele origin: germline.
Comment: The p.G331R variant (also known as c.991G>A), located in coding exon 5 of the GALNT12 gene, results from a G to A substitution at nucleotide position 991. The glycine at codon 331 is replaced by arginine, an amino acid with dissimilar properties. This amino acid position is conserved. In addition, this alteration is predicted to be deleterious by in silico analysis. Based on the available evidence, the clinical significance of this variant remains unclear.

NM_024642.5(GALNT12):c.991G>A (p.Gly331Arg)

Gene: GALNT12 (polypeptide N-acetylgalactosaminyltransferase 12; plus strand). Cytogenetic location: 9q22.33.
Variant type: single nucleotide variant.
Coding change: c.991G>A on transcript NM_024642.5 (MANE Select); coding-DNA position 991, G replaced by A.
Protein change: p.Gly331Arg; replaces glycine 331 with arginine.
Molecular consequence: missense variant.
Genome position (GRCh38, 1-based): chr9:98,835,322, G>A. VCF-style: chr9-98835322-G-A. GRCh37 (hg19) VCF-style: chr9-101597604-G-A.
Other names: short protein forms G331R.
Identifiers: ClinVar variation 4261491 (VCV004261491.1).
Genomic context (GRCh38, chr9:98,835,322, plus strand): 5'-GCTGGTGGGCTGTTTGCTGTGAGTAAGAAATATTTTGAATATCTGGGGTCTTATGATACA[G>A]GAATGGAAGTTTGGGGAGGAGAAAACCTCGAATTTTCCTTTAGGGTAAGTATTTCAGTCT-3'
Protein context (NP_078918.3, residues 321-341): YFEYLGSYDT[Gly331Arg]MEVWGGENLE